The following is an entry in ClinVar:

ClinVar aggregate classification (germline): Conflicting classifications of pathogenicity. Review status: criteria provided, conflicting classifications (1 of 4 stars). 4 submissions from 4 submitters: Uncertain significance (2); Likely benign (2). Last evaluated 2025-03-24.

Conditions:
Charcot-Marie-Tooth disease axonal type 2O. Also called: CHARCOT-MARIE-TOOTH NEUROPATHY, AXONAL, TYPE 2O; CHARCOT-MARIE-TOOTH DISEASE, AXONAL, AUTOSOMAL DOMINANT, TYPE 2O; Charcot-Marie-Tooth Neuropathy Type 2O; Charcot-Marie-Tooth disease, axonal, type 20. Identifiers: Orphanet 284232, MedGen C3280220, MONDO:0013644, OMIM 614228.
Cortical dysplasia, complex, with other brain malformations 13. Also called: Intellectual disability, autosomal dominant 13. Identifiers: MedGen C3281202, MONDO:0013805, OMIM 614563.
Inborn genetic diseases. Identifiers: MedGen C0950123, MeSH D030342.

Allele frequency attached by ClinVar (database versions not stated): ExAC 0.00002; 1000 Genomes Project 30x 0.00031; gnomAD exomes 0.00001 and 0.00002; 1000 Genomes Project 0.00020; gnomAD 0.00001 and 0.00002; TOPMed 0.00002.
gnomAD v4.1: 38 of 1,614,228 alleles (0.0024%); highest among the groups gnomAD compares: East Asian, 0.0067%; no homozygotes.

Submissions (4):

Labcorp Genetics (formerly Invitae), Labcorp
Classification: Likely benign for Charcot-Marie-Tooth disease axonal type 2O. Last evaluated: 2025-03-24. Review status: criteria provided, single submitter. Criteria: Invitae Variant Classification Sherloc (09022015). Collection method: clinical testing. Allele origin: germline.

Servicio de Genética Del Instituto Nacional de Salud Del Niño, Ministerio de Salud
Classification: Uncertain significance for Cortical dysplasia, complex, with other brain malformations 13. Last evaluated: 2024-11-18. Review status: criteria provided, single submitter. Criteria: ACMG Guidelines, 2015. Collection method: clinical testing. Allele origin: germline. Inheritance: Autosomal dominant inheritance.
Comment: The variant NM_001376.5:c.13279G>A results in the substitution of valine with isoleucine at position 4427 in the protein. Both valine and isoleucine are non-polar, hydrophobic amino acids, suggesting that this substitution may not disrupt the protein’s structure or function significantly. However, the potential functional consequences remain uncertain. Based on PM2 (absence in population databases or low frequency), PP2 (conservation of the amino acid across species), and BP6 (lack of supportive functional data), this variant is classified as uncertain significance

Ambry Genetics
Classification: Likely benign for Inborn genetic diseases. Last evaluated: 2023-11-30. Review status: criteria provided, single submitter. Criteria: Ambry Variant Classification Scheme 2023. Collection method: clinical testing. Allele origin: germline.

GeneDx
Classification: Uncertain significance. Last evaluated: 2019-04-16. Review status: criteria provided, single submitter. Criteria: GeneDx Variant Classification Process June 2021. Collection method: clinical testing. Allele origin: germline. Affected: yes.
Comment: Not observed at a significant frequency in large population cohorts (Lek et al., 2016); In silico analysis, which includes protein predictors and evolutionary conservation, supports that this variant does not alter protein structure/function; Has not been previously published as pathogenic or benign to our knowledge

NM_001376.5(DYNC1H1):c.13279G>A (p.Val4427Ile)

Gene: DYNC1H1 (dynein cytoplasmic 1 heavy chain 1; plus strand). Cytogenetic location: 14q32.31.
Variant type: single nucleotide variant.
Coding change: c.13279G>A on transcript NM_001376.5 (MANE Select); coding-DNA position 13279, G replaced by A.
Protein change: p.Val4427Ile; replaces valine 4427 with isoleucine.
Molecular consequence: missense variant.
Genome position (GRCh38, 1-based): chr14:102,048,576, G>A. VCF-style: chr14-102048576-G-A. GRCh37 (hg19) VCF-style: chr14-102514913-G-A.
Other names: short protein forms V4427I.
Identifiers: ClinVar variation 1304899 (VCV001304899.9), dbSNP rs573728571, ClinGen allele CA7354197.
Genomic context (GRCh38, chr14:102,048,576, plus strand): 5'-GATCCTTTGTTCAGGTTCTTTGAGAGAGAAGTGAAGATGGGCGCAAAGCTGCTTCAGGAC[G>A]TTCGCCAGGACCTTGCAGATGTCGTCCAGGTGTGCGAAGGAAAGAAGAAGCAGACCAACT-3'
Protein context (NP_001367.2, residues 4417-4437): VKMGAKLLQD[Val4427Ile]RQDLADVVQV